The following is an entry in ClinVar:

NM_005477.3(HCN4):c.3259T>G (p.Ser1087Ala)

Gene: HCN4 (hyperpolarization activated cyclic nucleotide gated potassium channel 4; minus strand). Cytogenetic location: 15q24.1.
Variant type: single nucleotide variant.
Coding change: c.3259T>G on transcript NM_005477.3 (MANE Select); coding-DNA position 3259, T replaced by G.
Protein change: p.Ser1087Ala; replaces serine 1087 with alanine.
Molecular consequence: missense variant.
Genome position (GRCh38, 1-based): chr15:73,322,834, A>C on the plus strand (T>G on the coding strand, the complement: HCN4 is on the minus strand). VCF-style: chr15-73322834-A-C. GRCh37 (hg19) VCF-style: chr15-73615175-A-C.
Other names: short protein forms S1087A.
Identifiers: ClinVar variation 4797575 (VCV004797575.1).

ClinVar aggregate classification (germline): Uncertain significance (1 of 4 stars; one submission).

Conditions:
Brugada syndrome 8 (BRGDA8). Identifiers: Orphanet 130, MedGen C2751083, MONDO:0013148, OMIM 613123.

gnomAD v4.1: 8 of 1,521,400 alleles (0.00053%); highest among the groups gnomAD compares: Admixed American, 0.017%; no homozygotes.

Submission:

Labcorp Genetics (formerly Invitae), Labcorp
Classification: Uncertain significance for Brugada syndrome 8. Last evaluated: 2025-04-08. Review status: criteria provided, single submitter. Criteria: Invitae Variant Classification Sherloc (09022015). Collection method: clinical testing. Allele origin: germline.
Comment: This sequence change replaces serine, which is neutral and polar, with alanine, which is neutral and non-polar, at codon 1087 of the HCN4 protein (p.Ser1087Ala). This variant is present in population databases (no rsID available, gnomAD 0.01%). This variant has not been reported in the literature in individuals affected with HCN4-related conditions. Invitae Evidence Modeling of protein sequence and biophysical properties (such as structural, functional, and spatial information, amino acid conservation, physicochemical variation, residue mobility, and thermodynamic stability) indicates that this missense variant is expected to disrupt HCN4 protein function with a positive predictive value of 95%. In summary, the available evidence is currently insufficient to determine the role of this variant in disease. Therefore, it has been classified as a Variant of Uncertain Significance.